The following is an entry in ClinVar:

NM_002497.4(NEK2):c.886T>C (p.Ser296Pro)

Gene: NEK2 (NIMA related kinase 2; minus strand). Cytogenetic location: 1q32.3.
Variant type: single nucleotide variant.
Coding change: c.886T>C on transcript NM_002497.4 (MANE Select); coding-DNA position 886, T replaced by C.
Protein change: p.Ser296Pro; replaces serine 296 with proline.
Molecular consequence: missense variant.
Genome position (GRCh38, 1-based): chr1:211,669,212, A>G on the plus strand (T>C on the coding strand, the complement: NEK2 is on the minus strand). VCF-style: chr1-211669212-A-G. GRCh37 (hg19) VCF-style: chr1-211842554-A-G.
Other names: c.886T>C, p.Ser296Pro (NM_001204182.2, NM_001204183.2); short protein forms S296P.
Identifiers: ClinVar variation 2799087 (VCV002799087.3), dbSNP rs924484677, ClinGen allele CA36822664.

ClinVar aggregate classification (germline): Uncertain significance (1 of 4 stars; one submission).

Allele frequency attached by ClinVar (database versions not stated): gnomAD exomes below 0.00001.
gnomAD v4.1: 1 of 1,613,832 alleles (0.000062%); highest among the groups gnomAD compares: Non-Finnish European, 0.000085%; no homozygotes.

Submission:

Labcorp Genetics (formerly Invitae), Labcorp
Classification: Uncertain significance. Last evaluated: 2023-08-10. Review status: criteria provided, single submitter. Criteria: Invitae Variant Classification Sherloc (09022015). Collection method: clinical testing. Allele origin: germline.
Comment: In summary, the available evidence is currently insufficient to determine the role of this variant in disease. Therefore, it has been classified as a Variant of Uncertain Significance. Algorithms developed to predict the effect of missense changes on protein structure and function output the following: SIFT: "Not Available"; PolyPhen-2: "Benign"; Align-GVGD: "Not Available". The proline amino acid residue is found in multiple mammalian species, which suggests that this missense change does not adversely affect protein function. This variant has not been reported in the literature in individuals affected with NEK2-related conditions. This variant is not present in population databases (gnomAD no frequency). This sequence change replaces serine, which is neutral and polar, with proline, which is neutral and non-polar, at codon 296 of the NEK2 protein (p.Ser296Pro).